The following is an entry in ClinVar:

ClinVar aggregate classification (germline): Uncertain significance (1 of 4 stars; one submission).

gnomAD v4.1: 2 of 1,613,218 alleles (0.00012%); highest among the groups gnomAD compares: African/African-American, 0.0013%; no homozygotes.

Submission:

Labcorp Genetics (formerly Invitae), Labcorp
Classification: Uncertain significance. Last evaluated: 2024-11-30. Review status: criteria provided, single submitter. Criteria: Invitae Variant Classification Sherloc (09022015). Collection method: clinical testing. Allele origin: germline.
Comment: This sequence change replaces threonine, which is neutral and polar, with methionine, which is neutral and non-polar, at codon 545 of the DGKZ protein (p.Thr545Met). This variant is not present in population databases (gnomAD no frequency). This variant has not been reported in the literature in individuals affected with DGKZ-related conditions. An algorithm developed to predict the effect of missense changes on protein structure and function (PolyPhen-2) suggests that this variant is likely to be disruptive. In summary, the available evidence is currently insufficient to determine the role of this variant in disease. Therefore, it has been classified as a Variant of Uncertain Significance.

NM_001199267.2(DGKZ):c.1067C>T (p.Thr356Met)

Gene: DGKZ (diacylglycerol kinase zeta; plus strand). Cytogenetic location: 11p11.2.
Variant type: single nucleotide variant.
Coding change: c.1067C>T on transcript NM_001199267.2 (MANE Select); coding-DNA position 1067, C replaced by T.
Protein change: p.Thr356Met; replaces threonine 356 with methionine.
Molecular consequence: missense variant.
Genome position (GRCh38, 1-based): chr11:46,372,676, C>T. VCF-style: chr11-46372676-C-T. GRCh37 (hg19) VCF-style: chr11-46394226-C-T.
Other names: c.1634C>T, p.Thr545Met (NM_001105540.2); c.1070C>T, p.Thr357Met (NM_001199266.2, NM_003646.4); c.1001C>T, p.Thr334Met (NM_001199268.2); c.1118C>T, p.Thr373Met (NM_201532.3); c.1082C>T, p.Thr361Met (NM_201533.3); short protein forms T334M, T356M, T357M, T361M, T373M, T545M.
Identifiers: ClinVar variation 3614970 (VCV003614970.2).